The following is an entry in ClinVar:

NM_001370259.2(MEN1):c.913-1G>C

Gene: MEN1 (menin 1; minus strand). Cytogenetic location: 11q13.1.
Variant type: single nucleotide variant.
Coding change: c.913-1G>C on transcript NM_001370259.2 (MANE Select); the canonical splice acceptor site of the intron before coding-DNA position 913, G replaced by C.
Molecular consequence: splice acceptor variant.
Genome position (GRCh38, 1-based): chr11:64,806,369, C>G on the plus strand (G>C on the coding strand, the complement: MEN1 is on the minus strand). VCF-style: chr11-64806369-C-G. GRCh37 (hg19) VCF-style: chr11-64573841-C-G.
Other names: c.928-1G>C (NM_130804.3, NM_130803.3, NM_000244.4 and 5 more transcripts); c.808-1G>C (NM_001407148.1, NM_001407149.1, NM_001407151.1 and 2 more transcripts); c.913-1G>C (NM_130799.3, NM_001407144.1, NM_001370260.2 and 7 more transcripts).
Identifiers: ClinVar variation 1452902 (VCV001452902.6), dbSNP rs1057518572, ClinGen allele CA381183465.
Genomic context (GRCh38, chr11:64,806,369, plus strand): 5'-CAGGTACATGTAGGGGTAGATGTGTTCATCCCGATAGTAGGTCTTGGCTGAGGCAATGCC[C>G]TGGATGGAGGTGAGGCAGAGGATCCTCAGGGAGGCAGCCCCAGCTGCCCTGCTGGCACAA-3'

ClinVar aggregate classification (germline): Pathogenic (1 of 4 stars; one submission).

Conditions:
Multiple endocrine neoplasia, type 1 (MEN1). Also called: Endocrine adenomatosis multiple; MEN 1; MEA I; MEN I; WERMER SYNDROME. Identifiers: Orphanet 652, MedGen C0025267, MeSH D018761, MONDO:0007540, OMIM 131100.

Submission:

Labcorp Genetics (formerly Invitae), Labcorp
Classification: Pathogenic for Multiple endocrine neoplasia, type 1. Last evaluated: 2021-09-18. Review status: criteria provided, single submitter. Criteria: Invitae Variant Classification Sherloc (09022015). Collection method: clinical testing. Allele origin: germline.
Comment: For these reasons, this variant has been classified as Pathogenic. Algorithms developed to predict the effect of sequence changes on RNA splicing suggest that this variant may disrupt the consensus splice site. Disruption of this splice site has been observed in individuals with clinical features of multiple endocrine neoplasia type 1 (PMID: 10090472; Invitae). This variant is not present in population databases (ExAC no frequency). This sequence change affects an acceptor splice site in intron 6 of the MEN1 gene. It is expected to disrupt RNA splicing. Variants that disrupt the donor or acceptor splice site typically lead to a loss of protein function (PMID: 16199547), and loss-of-function variants in MEN1 are known to be pathogenic (PMID: 12112656, 17853334).

Literature cited by the submitters: PubMed 10090472; PubMed 16199547; PubMed 12112656; PubMed 17853334.